The following is an entry in ClinVar:

NM_022835.3(PLEKHG2):c.3305C>T (p.Pro1102Leu)

Gene: PLEKHG2 (pleckstrin homology and RhoGEF domain containing G2; plus strand). Cytogenetic location: 19q13.2.
Variant type: single nucleotide variant.
Coding change: c.3305C>T on transcript NM_022835.3 (MANE Select); coding-DNA position 3305, C replaced by T.
Protein change: p.Pro1102Leu; replaces proline 1102 with leucine.
Molecular consequence: missense variant. On other transcripts: intron variant (1).
Genome position (GRCh38, 1-based): chr19:39,424,438, C>T. VCF-style: chr19-39424438-C-T. GRCh37 (hg19) VCF-style: chr19-39915078-C-T.
Other names: c.3128C>T, p.Pro1043Leu (NM_001351693.2); c.1678-800C>T (NM_001351694.2); c.3305C>T (NM_022835.2); short protein forms P1043L, P1102L.
Identifiers: ClinVar variation 1431706 (VCV001431706.6), dbSNP rs140135182, ClinGen allele CA9429966.
Genomic context (GRCh38, chr19:39,424,438, plus strand): 5'-GAAGCAGCCTGGATCCCCAGGGCCCAGGCGACACCCTACCACCCTTGCCATGTCACCTCC[C>T]AGACCTTCAGATTCCAGGTACCTCACCTTTGCCTGCACATGGAAGCCACCTGGACCATCG-3'
Protein context (NP_073746.2, residues 1092-1112): DTLPPLPCHL[Pro1102Leu]DLQIPGTSPL

ClinVar aggregate classification (germline): Uncertain significance. Review status: criteria provided, multiple submitters, no conflicts (2 of 4 stars). 2 submissions from 2 submitters: Uncertain significance (2). Last evaluated 2021-12-02.

Allele frequency attached by ClinVar (database versions not stated): gnomAD exomes 0.00006 and 0.00020; ExAC 0.00007; gnomAD 0.00009 and 0.00012; TOPMed 0.00010; ESP Exome Variant Server 0.00015.
gnomAD v4.1: 313 of 1,614,006 alleles (0.019%); highest among the groups gnomAD compares: Non-Finnish European, 0.025%; no homozygotes.

Submissions (2):

Labcorp Genetics (formerly Invitae), Labcorp
Classification: Uncertain significance. Last evaluated: 2021-12-02. Review status: criteria provided, single submitter. Criteria: Invitae Variant Classification Sherloc (09022015). Collection method: clinical testing. Allele origin: germline.
Comment: This sequence change replaces proline, which is neutral and non-polar, with leucine, which is neutral and non-polar, at codon 1102 of the PLEKHG2 protein (p.Pro1102Leu). This variant is present in population databases (rs140135182, gnomAD 0.01%). This variant has not been reported in the literature in individuals affected with PLEKHG2-related conditions. Algorithms developed to predict the effect of missense changes on protein structure and function output the following: SIFT: "Deleterious"; PolyPhen-2: "Benign"; Align-GVGD: "Class C65". The leucine amino acid residue is found in multiple mammalian species, which suggests that this missense change does not adversely affect protein function. In summary, the available evidence is currently insufficient to determine the role of this variant in disease. Therefore, it has been classified as a Variant of Uncertain Significance.

Ambry Genetics
Classification: Uncertain significance. Last evaluated: 2021-08-12. Review status: criteria provided, single submitter. Criteria: Ambry Variant Classification Scheme 2023. Collection method: clinical testing. Allele origin: germline.